The following is an entry in ClinVar:

NM_001165963.4(SCN1A):c.4557G>A (p.Pro1519=)

Genes: SCN1A (sodium voltage-gated channel alpha subunit 1; minus strand), LOC102724058 (uncharacterized LOC102724058; plus strand). Cytogenetic location: 2q24.3.
Variant type: single nucleotide variant.
Coding change: c.4557G>A on transcript NM_001165963.4 (MANE Select); coding-DNA position 4557, G replaced by A.
Protein change: p.Pro1519=; no amino-acid change (proline 1519 retained).
Molecular consequence: synonymous variant. On other transcripts: non-coding transcript variant (1).
Genome position (GRCh38, 1-based): chr2:165,996,037, C>T on the plus strand (G>A on the coding strand, the complement: SCN1A is on the minus strand). VCF-style: chr2-165996037-C-T. GRCh37 (hg19) VCF-style: chr2-166852547-C-T.
Other names: p.P1519P:CCG>CCA; c.4557G>A (NM_001202435.1); c.4473G>A, p.Pro1491= (NM_001165964.3, NM_001353957.2, NM_001353958.2); c.4557G>A, p.Pro1519= (NM_001202435.3, NM_001353948.2); c.4524G>A, p.Pro1508= (NM_001353949.2, NM_001353950.2, NM_001353951.2 and 2 more transcripts); c.4521G>A, p.Pro1507= (NM_001353954.2, NM_001353955.2); c.4470G>A, p.Pro1490= (NM_001353960.2); c.2115G>A, p.Pro705= (NM_001353961.2).
Identifiers: ClinVar variation 138985 (VCV000138985.46), dbSNP rs368785509, ClinGen allele CA293192.
Genomic context (GRCh38, chr2:165,996,037, plus strand): 5'-TTGTATTTTTCCCCCATATCATTTGATACTTCTTACTCCTGGTCGAGGTATAGGCTTTTG[C>T]GGTTTTTTCGATCCTAATTTTTTCATTGCATTATAGTATTTCTTCTGTTCTTCTGTCATA-3'
Protein context (NP_001159435.1, residues 1509-1529): NAMKKLGSKK[Pro1519=]QKPIPRPGNK

ClinVar aggregate classification (germline): Conflicting classifications of pathogenicity. Review status: criteria provided, conflicting classifications (1 of 4 stars). 10 submissions from 9 submitters: Uncertain significance (2); Benign (3); Likely benign (4). 1 of the submissions does not count toward it. Last evaluated 2026-08-01.

Conditions:
SCN1A-related disorder. Also called: SCN1A-related disorders; SCN1A-related conditions; SCN1A-related condition.
Early-infantile DEE. Also called: Early infantile epileptic encephalopathy; Ohtahara syndrome; Early infantile epileptic encephalopathy with suppression bursts. Identifiers: Orphanet 1934, MedGen C0393706, MONDO:0800491.
Inborn genetic diseases. Identifiers: MedGen C0950123, MeSH D030342.
Generalized epilepsy with febrile seizures plus, type 2 (GEFSP2). Also called: GEFS+, TYPE 2. Identifiers: Orphanet 36387, MedGen C1858673, MONDO:0011461, OMIM 604403.
Migraine, familial hemiplegic, 3. Identifiers: Orphanet 569, MedGen C1864987, MONDO:0012320, OMIM 609634.

Allele frequency attached by ClinVar (database versions not stated): ExAC 0.00004; gnomAD exomes 0.00006; gnomAD 0.00007 and 0.00008; TOPMed 0.00009; ESP Exome Variant Server 0.00015.
gnomAD v4.1: 90 of 1,607,620 alleles (0.0056%); highest among the groups gnomAD compares: Middle Eastern, 0.05%; no homozygotes.

Submissions (10):

CeGaT Center for Human Genetics Tuebingen
Classification: Likely benign. Last evaluated: 2026-08-01. Review status: criteria provided, single submitter. Criteria: CeGaT Center For Human Genetics Tuebingen Variant Classification Criteria Version 2. Collection method: clinical testing. Allele origin: germline. Affected: yes. Observed: 3 variant alleles.
Comment: SCN1A: BP4, BP7

Labcorp Genetics (formerly Invitae), Labcorp
Classification: Likely benign for Early-infantile DEE. Last evaluated: 2026-01-28. Review status: criteria provided, single submitter. Criteria: Invitae Variant Classification Sherloc (09022015). Collection method: clinical testing. Allele origin: germline.

Women's Health and Genetics/Laboratory Corporation of America, LabCorp
Classification: Benign. Last evaluated: 2025-03-19. Review status: criteria provided, single submitter. Criteria: LabCorp Variant Classification Summary - May 2015. Collection method: clinical testing. Allele origin: germline.

Blueprint Genetics
Classification: Likely benign. Last evaluated: 2024-09-16. Review status: criteria provided, single submitter. Criteria: ACMG Guidelines, 2015. Collection method: clinical testing. Allele origin: germline.

Athena Diagnostics
Classification: Benign. Last evaluated: 2018-08-31. Review status: criteria provided, single submitter. Criteria: Athena Diagnostics Criteria. Collection method: clinical testing. Allele origin: germline.

Illumina Laboratory Services, Illumina
Classification: Uncertain significance for Generalized epilepsy with febrile seizures plus, type 2. Last evaluated: 2018-01-13. Review status: criteria provided, single submitter. Criteria: ICSL Variant Classification Criteria 13 December 2019. Collection method: clinical testing. Allele origin: germline.

Illumina Laboratory Services, Illumina
Classification: Uncertain significance for Migraine, familial hemiplegic, 3. Last evaluated: 2018-01-13. Review status: criteria provided, single submitter. Criteria: ICSL Variant Classification Criteria 13 December 2019. Collection method: clinical testing. Allele origin: germline.

Ambry Genetics
Classification: Likely benign for Inborn genetic diseases. Last evaluated: 2016-10-08. Review status: criteria provided, single submitter. Criteria: Ambry Variant Classification Scheme 2023. Collection method: clinical testing. Allele origin: germline.

GeneDx
Classification: Benign. Last evaluated: 2012-12-26. Review status: criteria provided, single submitter. Criteria: GeneDx Variant Classification (06012015). Collection method: clinical testing. Allele origin: germline. Affected: yes.
Comment: This variant is considered likely benign or benign based on one or more of the following criteria: it is a conservative change, it occurs at a poorly conserved position in the protein, it is predicted to be benign by multiple in silico algorithms, and/or has population frequency not consistent with disease.

PreventionGenetics, part of Exact Sciences
Classification: Likely benign for SCN1A-related condition. Last evaluated: 2021-06-23. Review status: no assertion criteria provided. Collection method: clinical testing. Allele origin: germline. Not counted in ClinVar's aggregate classification.
Comment: This variant is classified as likely benign based on ACMG/AMP sequence variant interpretation guidelines (Richards et al. 2015 PMID: 25741868, with internal and published modifications).